The following is an entry in ClinVar:

NM_006767.4(LZTR1):c.1530C>A (p.His510Gln)

Gene: LZTR1 (leucine zipper like post translational regulator 1; plus strand). Cytogenetic location: 22q11.21.
Variant type: single nucleotide variant.
Coding change: c.1530C>A on transcript NM_006767.4 (MANE Select); coding-DNA position 1530, C replaced by A.
Protein change: p.His510Gln; replaces histidine 510 with glutamine.
Molecular consequence: missense variant.
Genome position (GRCh38, 1-based): chr22:20,994,184, C>A. VCF-style: chr22-20994184-C-A. GRCh37 (hg19) VCF-style: chr22-21348473-C-A.
Other names: short protein forms H510Q.
Identifiers: ClinVar variation 3383856 (VCV003383856.2).

ClinVar aggregate classification (germline): Uncertain significance. Review status: criteria provided, multiple submitters, no conflicts (2 of 4 stars). 2 submissions from 2 submitters: Uncertain significance (2). Last evaluated 2025-12-14.

Conditions:
Hereditary cancer-predisposing syndrome. Also called: Neoplastic Syndromes, Hereditary; Hereditary Cancer Syndrome; Tumor predisposition; Hereditary neoplastic syndrome. Identifiers: Orphanet 140162, MedGen C0027672, MeSH D009386, MONDO:0015356.
Cardiovascular phenotype. Identifiers: MedGen CN230736.

Submissions (2):

Ambry Genetics
Classification: Uncertain significance for Cardiovascular phenotype; Hereditary cancer-predisposing syndrome. Last evaluated: 2025-12-14. Review status: criteria provided, single submitter. Criteria: Ambry Variant Classification Scheme 2023. Collection method: clinical testing. Allele origin: germline.
Comment: The p.H510Q variant (also known as c.1530C>A), located in coding exon 14 of the LZTR1 gene, results from a C to A substitution at nucleotide position 1530. The histidine at codon 510 is replaced by glutamine, an amino acid with highly similar properties. This amino acid position is conserved. In addition, this alteration is predicted to be tolerated by in silico analysis. Based on the available evidence, the clinical significance of this variant remains unclear.

GeneDx
Classification: Uncertain significance. Last evaluated: 2024-05-30. Review status: criteria provided, single submitter. Criteria: GeneDx Variant Classification Process June 2021. Collection method: clinical testing. Allele origin: germline. Affected: yes.
Comment: Not observed at significant frequency in large population cohorts (gnomAD); In silico analysis indicates that this missense variant does not alter protein structure/function; Has not been previously published as pathogenic or benign to our knowledge